The following is an entry in ClinVar:

ClinVar aggregate classification (germline): Likely benign. Review status: criteria provided, multiple submitters, no conflicts (2 of 4 stars). 2 submissions from 2 submitters: Likely benign (2). Last evaluated 2025-10-01.

Conditions:
Inborn genetic diseases. Identifiers: MedGen C0950123, MeSH D030342.

gnomAD v4.1: 4 of 1,592,528 alleles (0.00025%); highest among the groups gnomAD compares: Admixed American, 0.0073%; 1 homozygote.

Submissions (2):

CeGaT Center for Human Genetics Tuebingen
Classification: Likely benign. Last evaluated: 2025-10-01. Review status: criteria provided, single submitter. Criteria: CeGaT Center For Human Genetics Tuebingen Variant Classification Criteria Version 2. Collection method: clinical testing. Allele origin: germline. Affected: yes. Observed: 1 variant allele.
Comment: PDE2A: BP4, BP7

Ambry Genetics
Classification: Likely benign for Inborn genetic diseases. Last evaluated: 2024-05-29. Review status: criteria provided, single submitter. Criteria: Ambry Variant Classification Scheme 2023. Collection method: clinical testing. Allele origin: germline.

NM_002599.5(PDE2A):c.1923G>C (p.Arg641=)

Gene: PDE2A (phosphodiesterase 2A; minus strand). Cytogenetic location: 11q13.4.
Variant type: single nucleotide variant.
Coding change: c.1923G>C on transcript NM_002599.5 (MANE Select); coding-DNA position 1923, G replaced by C.
Protein change: p.Arg641=; no amino-acid change (arginine 641 retained).
Molecular consequence: synonymous variant.
Genome position (GRCh38, 1-based): chr11:72,581,479, C>G on the plus strand (G>C on the coding strand, the complement: PDE2A is on the minus strand). VCF-style: chr11-72581479-C-G. GRCh37 (hg19) VCF-style: chr11-72292523-C-G.
Other names: c.1902G>C, p.Arg634= (NM_001143839.4); c.1896G>C, p.Arg632= (NM_001146209.3); c.1860G>C, p.Arg620= (NM_001243784.2).
Identifiers: ClinVar variation 3305359 (VCV003305359.7).